The following is an entry in ClinVar:

NM_199420.4(POLQ):c.346C>T (p.Pro116Ser)

Gene: POLQ (DNA polymerase theta; minus strand). Cytogenetic location: 3q13.33.
Variant type: single nucleotide variant.
Coding change: c.346C>T on transcript NM_199420.4 (MANE Select); coding-DNA position 346, C replaced by T.
Protein change: p.Pro116Ser; replaces proline 116 with serine.
Molecular consequence: missense variant.
Genome position (GRCh38, 1-based): chr3:121,541,477, G>A on the plus strand (C>T on the coding strand, the complement: POLQ is on the minus strand). VCF-style: chr3-121541477-G-A. GRCh37 (hg19) VCF-style: chr3-121260324-G-A.
Other names: short protein forms P116S.
Identifiers: ClinVar variation 3229939 (VCV003229939.1), dbSNP rs1560110594, ClinGen allele CA354093566.

ClinVar aggregate classification (germline): Uncertain significance (1 of 4 stars; one submission).

Allele frequency attached by ClinVar (database versions not stated): gnomAD exomes below 0.00001.
gnomAD v4.1: 1 of 1,589,706 alleles (0.000063%); highest among the groups gnomAD compares: Non-Finnish European, 0.000085%; no homozygotes.

Submission:

Ambry Genetics
Classification: Uncertain significance. Last evaluated: 2024-03-07. Review status: criteria provided, single submitter. Criteria: Ambry Variant Classification Scheme 2023. Collection method: clinical testing. Allele origin: germline.
Comment: The p.P116S variant (also known as c.346C>T), located in coding exon 3 of the POLQ gene, results from a C to T substitution at nucleotide position 346. The proline at codon 116 is replaced by serine, an amino acid with similar properties. This amino acid position is conserved. In addition, this alteration is predicted to be deleterious by in silico analysis. Based on the available evidence, the clinical significance of this alteration remains unclear.